The following is an entry in ClinVar:

NM_002474.3(MYH11):c.4408G>A (p.Glu1470Lys)

Genes: NDE1 (nudE neurodevelopment protein 1; plus strand), MYH11 (myosin heavy chain 11; minus strand). Cytogenetic location: 16p13.11.
Variant type: single nucleotide variant.
Coding change: c.4408G>A on transcript NM_002474.3 (MANE Select); coding-DNA position 4408, G replaced by A.
Protein change: p.Glu1470Lys; replaces glutamic acid 1470 with lysine.
Molecular consequence: missense variant. On other transcripts: intron variant (2).
Genome position (GRCh38, 1-based): chr16:15,721,592, C>T on the plus strand (G>A on the coding strand, the complement: MYH11 is on the minus strand). VCF-style: chr16-15721592-C-T. GRCh37 (hg19) VCF-style: chr16-15815449-C-T.
Other names: c.4429G>A, p.Glu1477Lys (NM_001040113.2, NM_001040114.2); c.4408G>A, p.Glu1470Lys (NM_022844.3); c.948-2599C>T (NM_001143979.2, NM_017668.3); short protein forms E1470K, E1477K.
Identifiers: ClinVar variation 1315926 (VCV001315926.3), dbSNP rs753301051, ClinGen allele CA278602744.

ClinVar aggregate classification (germline): Uncertain significance. Review status: criteria provided, multiple submitters, no conflicts (2 of 4 stars). 2 submissions from 2 submitters: Uncertain significance (2). Last evaluated 2025-07-07.

Conditions:
Familial thoracic aortic aneurysm and aortic dissection (TAAD). Also called: Thoracic aortic aneurysms and dissections. Identifiers: Orphanet 91387, MedGen C4707243, MONDO:0019625.

Allele frequency attached by ClinVar (database versions not stated): gnomAD exomes below 0.00001.
gnomAD v4.1: 7 of 1,614,204 alleles (0.00043%); highest among the groups gnomAD compares: Non-Finnish European, 0.00059%; no homozygotes.

Submissions (2):

Color Diagnostics, LLC DBA Color Health
Classification: Uncertain significance for Familial thoracic aortic aneurysm and aortic dissection. Last evaluated: 2025-07-07. Review status: criteria provided, single submitter. Criteria: ACMG Guidelines, 2015. Collection method: clinical testing. Allele origin: germline.
Comment: This missense variant replaces glutamic acid with lysine at codon 1477 of the MYH11 protein. Computational prediction suggests that this variant may have deleterious impact on protein structure and function. To our knowledge, functional studies have not been reported for this variant. This variant has not been reported in individuals affected with MYH11-related disorders in the literature. This variant has not been identified in the general population by the Genome Aggregation Database (gnomAD). The available evidence is insufficient to determine the role of this variant in disease conclusively. Therefore, this variant is classified as a Variant of Uncertain Significance.

GeneDx
Classification: Uncertain significance. Last evaluated: 2019-11-05. Review status: criteria provided, single submitter. Criteria: GeneDx Variant Classification Process June 2021. Collection method: clinical testing. Allele origin: germline. Affected: yes.
Comment: Has not been previously published as pathogenic or benign to our knowledge; Not observed in large population cohorts (Lek et al., 2016); In silico analysis, which includes protein predictors and evolutionary conservation, supports a deleterious effect